The following is an entry in ClinVar:

ClinVar aggregate classification (germline): Pathogenic (1 of 4 stars; one submission).

Conditions:
Spinocerebellar ataxia type 25. Identifiers: Orphanet 101111, MedGen C1837518, MONDO:0012103, OMIM 608703.

Submission:

Variantyx, Inc.
Classification: Pathogenic for Spinocerebellar ataxia type 25. Last evaluated: 2026-01-06. Review status: criteria provided, single submitter. Criteria: Variantyx Assertion Criteria 2022. Collection method: clinical testing. Allele origin: de novo. Inheritance: Autosomal dominant inheritance. Affected: yes.
Comment: This is a frameshift variant in the PNPT1 gene (OMIM: 610316). Pathogenic variants in this gene have been associated with autosomal dominant spinocerebellar ataxia 25. The alteration introduces a premature termination codon in exon 18 out of 28 and is expected to result in loss of function, which is a known disease mechanism for PNPT1 in this disorder (PMID:35411967) (PVS1). This variant is absent from control populations (PM2) and it has not been reported in individuals with PNPT1-related disorders in the databases available for review. Based on the current evidence, this variant is classified as pathogenic for autosomal dominant spinocerebellar ataxia 25.

Literature cited by the submitters: PubMed 35411967.

NM_033109.5(PNPT1):c.1448dup (p.Ser484fs)

Gene: PNPT1 (polyribonucleotide nucleotidyltransferase 1; minus strand). Cytogenetic location: 2p16.1.
Variant type: Duplication.
Coding change: c.1448dup on transcript NM_033109.5 (MANE Select); coding-DNA position 1448, one base duplicated (C; older notation c.1448dupC).
Protein change: p.Ser484fs; shifts the reading frame from serine 484.
Molecular consequence: frameshift variant.
Genome position (GRCh38, 1-based): chr2:55,654,947, G duplicated on the plus strand (C on the coding strand, the reverse complement: PNPT1 is on the minus strand). VCF-style (leftmost placement, unchanged base first): chr2-55654946-A-AG. GRCh37 (hg19) VCF-style: chr2-55882081-A-AG.
Other names: short protein forms S484fs.
Identifiers: ClinVar variation 4850803 (VCV004850803.1).